The following is an entry in ClinVar:

ClinVar aggregate classification (germline): Pathogenic (1 of 4 stars; one submission).

Conditions:
Hereditary breast ovarian cancer syndrome. Also called: Breast and ovarian cancer; BRCA1- and BRCA2-Associated Hereditary Breast and Ovarian Cancer; Hereditary breast and ovarian cancer syndrome; Hereditary breast and/or ovarian cancer syndrome; Hereditary breast and ovarian cancer; Hereditary breast and ovarian cancer syndrome (HBOC). Identifiers: Orphanet 145, MedGen C0677776, MeSH D061325, MONDO:0003582. Disease mechanism: loss of function.

Submission:

Labcorp Genetics (formerly Invitae), Labcorp
Classification: Pathogenic for Hereditary breast ovarian cancer syndrome. Last evaluated: 2020-08-08. Review status: criteria provided, single submitter. Criteria: Invitae Variant Classification Sherloc (09022015). Collection method: clinical testing. Allele origin: germline.
Comment: This variant has not been reported in the literature in individuals with BRCA2-related conditions. For these reasons, this variant has been classified as Pathogenic. Retrotransposon insertions including LINE1 (L1), Alu, and SVA (SINE-VNTR-Alu) have been reported to be disease-causing through disruption of either a coding region or splice site (PMID: 19763152, 20307669, 22406018) and loss-of-function variants in BRCA2 are known to be pathogenic (PMID: 20104584). This sequence change inserts a large fragment of DNA, likely a transposable element, in exon 11 of the BRCA2 gene (c.3834_3835insSVA), causing a frameshift at codon 1279 (p.Asn1279fs). The exact size and sequence of the insertion cannot be determined by the current assay. However, the insertion is expected to result in an absent or disrupted protein product.

Literature cited by the submitters: PubMed 19763152; PubMed 20307669; PubMed 22406018; PubMed 20104584.

NM_000059.4(BRCA2):c.3834_3835insGGCCGGGCGCGGTGGCTCACGCCTGTAATCCCAGCACTTTGGGAGGCCGAGGCGGGCGGATCACGAGGTCAGGAGATCGAGACCATCCCGGCTAAAACGGTGAAACCCCGTCNNNNNNNNNNAAAAAAAAAAAAAAAAAAAAAGAAAATCAT (p.Asn1279fs)

Gene: BRCA2 (BRCA2 DNA repair associated; plus strand). Cytogenetic location: 13q13.1.
Variant type: Insertion.
Coding change: c.3834_3835insGGCCGGGCGCGGTGGCTCACGCCTGTAATCCCAGCACTTTGGGAGGCCGAGGCGGGCGGATCACGAGGTCAGGAGATCGAGACCATCCCGGCTAAAACGGTGAAACCCCGTCNNNNNNNNNNAAAAAAAAAAAAAAAAAAAAAGAAAATCAT on transcript NM_000059.4 (MANE Select); coding-DNA positions 3834 to 3835, GGCCGGGCGCGGTGGCTCACGCCTGTAATCCCAGCACTTTGGGAGGCCGAGGCGGGCGGATCACGAGGTCAGGAGATCGAGACCATCCCGGCTAAAACGGTGAAACCCCGTCNNNNNNNNNNAAAAAAAAAAAAAAAAAAAAAGAAAATCAT inserted.
Protein change: p.Asn1279fs; shifts the reading frame from asparagine 1279.
Molecular consequence: frameshift variant.
Genome position: GRCh38: chr13:32,338,189-32,338,190. GRCh37 (hg19): chr13:32,912,326-32,912,327.
Other names: short protein forms N1279fs.
Identifiers: ClinVar variation 1068819 (VCV001068819.7), dbSNP rs2137500351.